The following is an entry in ClinVar:

NM_006031.6(PCNT):c.8751+9C>T

Gene: PCNT (pericentrin; plus strand). Cytogenetic location: 21q22.3.
Variant type: single nucleotide variant.
Coding change: c.8751+9C>T on transcript NM_006031.6 (MANE Select); 9 bases into the intron after coding-DNA position 8751, C replaced by T.
Molecular consequence: intron variant.
Genome position (GRCh38, 1-based): chr21:46,432,224, C>T. VCF-style: chr21-46432224-C-T. GRCh37 (hg19) VCF-style: chr21-47852138-C-T.
Other names: c.8160+246C>T (NM_001315529.2); c.8751+9C>T (NM_006031.5).
Identifiers: ClinVar variation 1564442 (VCV001564442.10), dbSNP rs778311816, ClinGen allele CA10081043.

ClinVar aggregate classification (germline): Likely benign. Review status: criteria provided, single submitter (1 of 4 stars). 2 submissions from 2 submitters: Likely benign (1). 1 of the submissions does not count toward it. Last evaluated 2025-01-29.

Conditions:
PCNT-related disorder. Also called: PCNT-related condition.

Allele frequency attached by ClinVar (database versions not stated): gnomAD exomes 0.00004 and 0.00023; gnomAD 0.00008; TOPMed 0.00008; ExAC 0.00024.
gnomAD v4.1: 66 of 1,600,860 alleles (0.0041%); highest among the groups gnomAD compares: Admixed American, 0.066%; no homozygotes.

Submissions (2):

Labcorp Genetics (formerly Invitae), Labcorp
Classification: Likely benign. Last evaluated: 2025-01-29. Review status: criteria provided, single submitter. Criteria: Invitae Variant Classification Sherloc (09022015). Collection method: clinical testing. Allele origin: germline.

PreventionGenetics, part of Exact Sciences
Classification: Likely benign for PCNT-related condition. Last evaluated: 2021-12-15. Review status: no assertion criteria provided. Collection method: clinical testing. Allele origin: germline. Not counted in ClinVar's aggregate classification.
Comment: This variant is classified as likely benign based on ACMG/AMP sequence variant interpretation guidelines (Richards et al. 2015 PMID: 25741868, with internal and published modifications).